The following is an entry in ClinVar:

ClinVar aggregate classification (germline): Uncertain significance (1 of 4 stars; one submission).

Allele frequency attached by ClinVar (database versions not stated): gnomAD exomes 0.00001.
gnomAD v4.1: 8 of 1,544,724 alleles (0.00052%); highest among the groups gnomAD compares: East Asian, 0.0025%; no homozygotes.

Submission:

Labcorp Genetics (formerly Invitae), Labcorp
Classification: Uncertain significance. Last evaluated: 2022-09-27. Review status: criteria provided, single submitter. Criteria: Invitae Variant Classification Sherloc (09022015). Collection method: clinical testing. Allele origin: germline.
Comment: ClinVar contains an entry for this variant (Variation ID: 968917). This variant has not been reported in the literature in individuals affected with EYS-related conditions. The frequency data for this variant in the population databases is considered unreliable, as metrics indicate poor data quality at this position in the gnomAD database. This sequence change replaces proline, which is neutral and non-polar, with serine, which is neutral and polar, at codon 961 of the EYS protein (p.Pro961Ser). Algorithms developed to predict the effect of missense changes on protein structure and function output the following: SIFT: "Tolerated"; PolyPhen-2: "Benign"; Align-GVGD: "Class C0". The serine amino acid residue is found in multiple mammalian species, which suggests that this missense change does not adversely affect protein function. In summary, the available evidence is currently insufficient to determine the role of this variant in disease. Therefore, it has been classified as a Variant of Uncertain Significance.

NM_001142800.2(EYS):c.2881C>T (p.Pro961Ser)

Gene: EYS (EGF-like photoreceptor maintenance factor; minus strand). Cytogenetic location: 6q12.
Variant type: single nucleotide variant.
Coding change: c.2881C>T on transcript NM_001142800.2 (MANE Select); coding-DNA position 2881, C replaced by T.
Protein change: p.Pro961Ser; replaces proline 961 with serine.
Molecular consequence: missense variant.
Genome position (GRCh38, 1-based): chr6:64,886,808, G>A on the plus strand (C>T on the coding strand, the complement: EYS is on the minus strand). VCF-style: chr6-64886808-G-A. GRCh37 (hg19) VCF-style: chr6-65596701-G-A.
Other names: c.2881C>T, p.Pro961Ser (NM_001292009.2); short protein forms P961S.
Identifiers: ClinVar variation 968917 (VCV000968917.9), dbSNP rs1170138781, ClinGen allele CA364788842.
Genomic context (GRCh38, chr6:64,886,808, plus strand): 5'-AATTTTCTTCATCTAGACAAGGTGAGATTTTACATTTATTTACATCAAGTTCACAGAAGG[G>A]CCCATGGTACTCAGGTTCACAATTACAAAAAAATCTGGAGAAAAGTGGAGAAATGAGGAA-3'
Protein context (NP_001136272.1, residues 951-971): FCNCEPEYHG[Pro961Ser]FCELDVNKCK